The following is an entry in ClinVar:

ClinVar aggregate classification (germline): Likely benign. Review status: criteria provided, multiple submitters, no conflicts (2 of 4 stars). 4 submissions from 4 submitters: Likely benign (4). Last evaluated 2023-12-18.

Conditions:
Arrhythmogenic cardiomyopathy with wooly hair and keratoderma. Also called: PALMOPLANTAR KERATODERMA WITH LEFT VENTRICULAR CARDIOMYOPATHY AND WOOLLY HAIR; Carvajal syndrome; Dilated cardiomyopathy with woolly hair and keratoderma; Arrhythmogenic cardiomyopathy with woolly hair and keratoderma. Identifiers: Orphanet 65282, MedGen C1854063, MONDO:0011581, OMIM 605676.
Cardiovascular phenotype. Identifiers: MedGen CN230736.
Cardiomyopathy (CMYO). Also called: Cardiomyopathies. Identifiers: Orphanet 167848, MedGen C0878544, MONDO:0004994, HP:0001638. Inheritance: Various modes of inheritance.
Arrhythmogenic right ventricular dysplasia 8 (ARVD8). Also called: Arrhythmogenic Right Ventricular Dysplasia/Cardiomyopathy 8; ARRHYTHMOGENIC RIGHT VENTRICULAR DYSPLASIA, FAMILIAL, 8; ARRHYTHMOGENIC RIGHT VENTRICULAR CARDIOMYOPATHY 8. Identifiers: MedGen C1843896, MONDO:0011831, OMIM 607450.

Allele frequency attached by ClinVar (database versions not stated): gnomAD 0.00001; TOPMed 0.00001; gnomAD exomes 0.00002; ExAC 0.00004; 1000 Genomes Project 0.00020; 1000 Genomes Project 30x 0.00031.
gnomAD v4.1: 31 of 1,613,934 alleles (0.0019%); highest among the groups gnomAD compares: Non-Finnish European, 0.0025%; no homozygotes.

Submissions (4):

All of Us Research Program, National Institutes of Health
Classification: Likely benign for Arrhythmogenic cardiomyopathy with wooly hair and keratoderma. Last evaluated: 2023-12-18. Review status: criteria provided, single submitter. Criteria: ACMG Guidelines, 2015. Collection method: clinical testing. Allele origin: germline. Inheritance: Autosomal dominant inheritance. Observed: 5 variant alleles, 5 heterozygotes.
Comment: This study involves interpretation of variants in research participants for the purpose of population health screening. Participant phenotype was not available at the time of variant classification. Additional details can be found in publication PMID: 35346344, PMCID: PMC8962531

Labcorp Genetics (formerly Invitae), Labcorp
Classification: Likely benign for Arrhythmogenic cardiomyopathy with wooly hair and keratoderma; Arrhythmogenic right ventricular dysplasia 8. Last evaluated: 2023-11-11. Review status: criteria provided, single submitter. Criteria: Invitae Variant Classification Sherloc (09022015). Collection method: clinical testing. Allele origin: germline.

Ambry Genetics
Classification: Likely benign for Cardiovascular phenotype. Last evaluated: 2019-07-29. Review status: criteria provided, single submitter. Criteria: Ambry Variant Classification Scheme 2023. Collection method: clinical testing. Allele origin: germline.

Color Diagnostics, LLC DBA Color Health
Classification: Likely benign for Cardiomyopathy. Last evaluated: 2019-01-07. Review status: criteria provided, single submitter. Criteria: ACMG Guidelines, 2015. Collection method: clinical testing. Allele origin: germline.

NM_004415.4(DSP):c.3396T>C (p.Phe1132=)

Gene: DSP (desmoplakin; plus strand). Cytogenetic location: 6p24.3.
Variant type: single nucleotide variant.
Coding change: c.3396T>C on transcript NM_004415.4 (MANE Select); coding-DNA position 3396, T replaced by C.
Protein change: p.Phe1132=; no amino-acid change (phenylalanine 1132 retained).
Molecular consequence: synonymous variant.
Genome position (GRCh38, 1-based): chr6:7,579,586, T>C. VCF-style: chr6-7579586-T-C. GRCh37 (hg19) VCF-style: chr6-7579819-T-C.
Other names: c.3396T>C, p.Phe1132= (NM_001008844.3, NM_001319034.2).
Identifiers: ClinVar variation 923381 (VCV000923381.14), dbSNP rs41302881, ClinGen allele CA038010.
Genomic context (GRCh38, chr6:7,579,586, plus strand): 5'-CCGACTGACTTATGAGATTGAAGATGAAAAGAGAAGAAGAAAATCTGTGGAAGACAGATT[T>C]GACCAACAGAAGAATGACTATGACCAACTGCAGAAAGCAAGGCAATGTGAAAAGGAGAAC-3'
Protein context (NP_004406.2, residues 1122-1142): KRRRKSVEDR[Phe1132=]DQQKNDYDQL